The following is an entry in ClinVar:

ClinVar aggregate classification (germline): Likely benign (1 of 4 stars; one submission).

Conditions:
ABCG8-related disorder. Also called: ABCG8-related condition.

gnomAD v4.1: 1 of 1,614,194 alleles (0.000062%); highest among the groups gnomAD compares: African/African-American, 0.0013%; no homozygotes.

Submission:

PreventionGenetics, part of Exact Sciences
Classification: Likely benign for ABCG8-related condition. Last evaluated: 2025-06-18. Review status: criteria provided, single submitter. Criteria: ACMG Guidelines, 2015. Collection method: clinical testing. Allele origin: germline.
Comment: This variant is classified as likely benign based on ACMG/AMP sequence variant interpretation guidelines (Richards et al. 2015 PMID: 25741868, with internal and published modifications).

NM_022437.3(ABCG8):c.810C>T (p.His270=)

Gene: ABCG8 (ATP binding cassette subfamily G member 8; plus strand). Cytogenetic location: 2p21.
Variant type: single nucleotide variant.
Coding change: c.810C>T on transcript NM_022437.3 (MANE Select); coding-DNA position 810, C replaced by T.
Protein change: p.His270=; no amino-acid change (histidine 270 retained).
Molecular consequence: synonymous variant.
Genome position (GRCh38, 1-based): chr2:43,852,714, C>T. VCF-style: chr2-43852714-C-T. GRCh37 (hg19) VCF-style: chr2-44079853-C-T.
Other names: c.810C>T, p.His270= (NM_001357321.2).
Identifiers: ClinVar variation 4989609 (VCV004989609.1).
Genomic context (GRCh38, chr2:43,852,714, plus strand): 5'-CCTGGTGAAGACCTTGTCCAGGCTGGCCAAAGGCAACCGGCTGGTGCTCATCTCCCTCCA[C>T]CAGCCTCGCTCTGACATCTTCAGGCTGTTTGATCTGGTCCTCCTGATGACGTCTGGCACC-3'
Protein context (NP_071882.1, residues 260-280): KGNRLVLISL[His270=]QPRSDIFRLF